The following is an entry in ClinVar:

NM_032043.3(BRIP1):c.3404A>G (p.Glu1135Gly)

Gene: BRIP1 (BRCA1 interacting DNA helicase 1; minus strand). Cytogenetic location: 17q23.2.
Variant type: single nucleotide variant.
Coding change: c.3404A>G on transcript NM_032043.3 (MANE Select); coding-DNA position 3404, A replaced by G.
Protein change: p.Glu1135Gly; replaces glutamic acid 1135 with glycine.
Molecular consequence: missense variant.
Genome position (GRCh38, 1-based): chr17:61,683,642, T>C on the plus strand (A>G on the coding strand, the complement: BRIP1 is on the minus strand). VCF-style: chr17-61683642-T-C. GRCh37 (hg19) VCF-style: chr17-59761003-T-C.
Other names: short protein forms E1135G.
Identifiers: ClinVar variation 949635 (VCV000949635.9), dbSNP rs1235908208, ClinGen allele CA400478803.

ClinVar aggregate classification (germline): Uncertain significance. Review status: criteria provided, multiple submitters, no conflicts (2 of 4 stars). 2 submissions from 2 submitters: Uncertain significance (2). Last evaluated 2025-08-01.

Conditions:
Familial cancer of breast. Also called: Hereditary breast cancer; hereditary breast carcinoma; BREAST CANCER, FAMILIAL. Identifiers: Orphanet 227535, MedGen C0346153, MONDO:0016419, OMIM 114480. Disease mechanism: loss of function.
Fanconi anemia complementation group J. Also called: BRIP1-Related Fanconi Anemia. Identifiers: Orphanet 84, MedGen C1836860, MONDO:0012187, OMIM 609054.
Hereditary cancer-predisposing syndrome. Also called: Hereditary neoplastic syndrome; Tumor predisposition; Neoplastic Syndromes, Hereditary; Hereditary Cancer Syndrome. Identifiers: Orphanet 140162, MedGen C0027672, MeSH D009386, MONDO:0015356.

Allele frequency attached by ClinVar (database versions not stated): gnomAD exomes 0.00001.
gnomAD v4.1: 3 of 1,612,842 alleles (0.00019%); highest among the groups gnomAD compares: Non-Finnish European, 0.00025%; no homozygotes.

Submissions (2):

Ambry Genetics
Classification: Uncertain significance for Hereditary cancer-predisposing syndrome. Last evaluated: 2025-08-01. Review status: criteria provided, single submitter. Criteria: Ambry Variant Classification Scheme 2023. Collection method: clinical testing. Allele origin: germline.
Comment: The p.E1135G variant (also known as c.3404A>G), located in coding exon 19 of the BRIP1 gene, results from an A to G substitution at nucleotide position 3404. The glutamic acid at codon 1135 is replaced by glycine, an amino acid with similar properties. This amino acid position is conserved. In addition, the in silico prediction for this alteration is inconclusive. Based on the available evidence, the clinical significance of this variant remains unclear.

Labcorp Genetics (formerly Invitae), Labcorp
Classification: Uncertain significance for Familial cancer of breast; Fanconi anemia complementation group J. Last evaluated: 2021-12-17. Review status: criteria provided, single submitter. Criteria: Invitae Variant Classification Sherloc (09022015). Collection method: clinical testing. Allele origin: germline.
Comment: ClinVar contains an entry for this variant (Variation ID: 949635). In summary, the available evidence is currently insufficient to determine the role of this variant in disease. Therefore, it has been classified as a Variant of Uncertain Significance. Algorithms developed to predict the effect of missense changes on protein structure and function are either unavailable or do not agree on the potential impact of this missense change (SIFT: "Deleterious"; PolyPhen-2: "Probably Damaging"; Align-GVGD: "Class C0"). This variant has not been reported in the literature in individuals affected with BRIP1-related conditions. This variant is present in population databases (no rsID available, gnomAD 0.0009%). This sequence change replaces glutamic acid, which is acidic and polar, with glycine, which is neutral and non-polar, at codon 1135 of the BRIP1 protein (p.Glu1135Gly).